The following is an entry in ClinVar:

NM_003051.4(SLC16A1):c.433T>C (p.Leu145=)

Gene: SLC16A1 (solute carrier family 16 member 1; minus strand). Cytogenetic location: 1p13.2.
Variant type: single nucleotide variant.
Coding change: c.433T>C on transcript NM_003051.4 (MANE Select); coding-DNA position 433, T replaced by C.
Protein change: p.Leu145=; no amino-acid change (leucine 145 retained).
Molecular consequence: synonymous variant.
Genome position (GRCh38, 1-based): chr1:112,917,973, A>G on the plus strand (T>C on the coding strand, the complement: SLC16A1 is on the minus strand). VCF-style: chr1-112917973-A-G. GRCh37 (hg19) VCF-style: chr1-113460595-A-G.
Other names: c.433T>C (NM_003051.3); c.433T>C, p.Leu145= (NM_001166496.2).
Identifiers: ClinVar variation 2178132 (VCV002178132.6), dbSNP rs368776923, ClinGen allele CA1011423.

ClinVar aggregate classification (germline): Likely benign. Review status: criteria provided, single submitter (1 of 4 stars). 2 submissions from 2 submitters: Likely benign (1). 1 of the submissions does not count toward it. Last evaluated 2023-11-07.

Conditions:
SLC16A1-related disorder. Also called: SLC16A1-related condition; SLC16A1-related disorders.

Allele frequency attached by ClinVar (database versions not stated): gnomAD exomes 0.00001; ExAC 0.00004; ESP Exome Variant Server 0.00008; gnomAD 0.00009; TOPMed 0.00011; 1000 Genomes Project 30x 0.00016; 1000 Genomes Project 0.00020.
gnomAD v4.1: 32 of 1,589,604 alleles (0.002%); highest among the groups gnomAD compares: African/African-American, 0.038%; no homozygotes.

Submissions (2):

Labcorp Genetics (formerly Invitae), Labcorp
Classification: Likely benign. Last evaluated: 2023-11-07. Review status: criteria provided, single submitter. Criteria: Invitae Variant Classification Sherloc (09022015). Collection method: clinical testing. Allele origin: germline.

PreventionGenetics, part of Exact Sciences
Classification: Likely benign for SLC16A1-related condition. Last evaluated: 2020-10-02. Review status: no assertion criteria provided. Collection method: clinical testing. Allele origin: germline. Not counted in ClinVar's aggregate classification.
Comment: This variant is classified as likely benign based on ACMG/AMP sequence variant interpretation guidelines (Richards et al. 2015 PMID: 25741868, with internal and published modifications).